The following is an entry in ClinVar:

ClinVar aggregate classification (germline): Uncertain significance (1 of 4 stars; one submission).

Conditions:
Tay-Sachs disease (TSD). Also called: HEXA DEFICIENCY; GM2 gangliosidosis, type 1; Hexosaminidase alpha-subunit deficiency (variant B); Sphingolipidosis, Tay-Sachs; Hexosaminidase A Deficiency; HEXA Disorders. Identifiers: Orphanet 845, MedGen C0039373, MONDO:0010100, OMIM 272800.

Submission:

Labcorp Genetics (formerly Invitae), Labcorp
Classification: Uncertain significance for Tay-Sachs disease. Last evaluated: 2022-08-23. Review status: criteria provided, single submitter. Criteria: Invitae Variant Classification Sherloc (09022015). Collection method: clinical testing. Allele origin: germline.
Comment: This variant, c.931_942del, results in the deletion of 4 amino acid(s) of the HEXA protein (p.Val311_Asp314del), but otherwise preserves the integrity of the reading frame. This variant is not present in population databases (gnomAD no frequency). This variant has not been reported in the literature in individuals affected with HEXA-related conditions. Experimental studies and prediction algorithms are not available or were not evaluated, and the functional significance of this variant is currently unknown. In summary, the available evidence is currently insufficient to determine the role of this variant in disease. Therefore, it has been classified as a Variant of Uncertain Significance.

NM_000520.6(HEXA):c.931_942del (p.Val311_Asp314del)

Gene: HEXA (hexosaminidase subunit alpha; minus strand). Cytogenetic location: 15q23.
Variant type: Deletion.
Coding change: c.931_942del on transcript NM_000520.6 (MANE Select); coding-DNA positions 931 to 942, 12 bases deleted (GTCTTCCCAGAT).
Protein change: p.Val311_Asp314del.
Molecular consequence: inframe deletion. On other transcripts: non-coding transcript variant (1).
Genome position (GRCh38, 1-based): chr15:72,349,123-72,349,134, ATCTGGGAAGAC deleted on the plus strand (GTCTTCCCAGAT on the coding strand, the reverse complement: HEXA is on the minus strand); deleting any 12 consecutive bases within chr15:72,349,123-72,349,135 gives the same sequence; the c. name uses the placement nearest the transcript's 3' end. VCF-style (leftmost placement, unchanged base first): chr15-72349122-AATCTGGGAAGAC-A. GRCh37 (hg19) VCF-style: chr15-72641463-AATCTGGGAAGAC-A.
Other names: c.964_975del, p.Val322_Asp325del (NM_001318825.2).
Identifiers: ClinVar variation 2008270 (VCV002008270.4), dbSNP rs2542522660, ClinGen allele CA2580089961.
Genomic context (GRCh38, chr15:72,349,122, plus strand): 5'-GATCAAAGGGCTCATACCAGCAGGTGAAATCAACCTCATCTCCTCCAAGATGAAGATAAA[AATCTGGGAAGAC>A]AGAGCTGACTTCTAAGAAGAATGTGCTCATGAACTCATAGGTATTATTGAGACTGGGATT-3'